The following is an entry in ClinVar:

ClinVar aggregate classification (germline): Uncertain significance (1 of 4 stars; one submission).

Conditions:
Hereditary cancer-predisposing syndrome. Also called: Neoplastic Syndromes, Hereditary; Tumor predisposition; Hereditary neoplastic syndrome; Hereditary Cancer Syndrome. Identifiers: Orphanet 140162, MedGen C0027672, MeSH D009386, MONDO:0015356.

Submission:

Ambry Genetics
Classification: Uncertain significance for Hereditary cancer-predisposing syndrome. Last evaluated: 2026-08-27. Review status: criteria provided, single submitter. Criteria: Ambry Variant Classification Scheme 2023. Collection method: clinical testing. Allele origin: germline.
Comment: The p.I525V variant (also known as c.1573A>G), located in coding exon 12 of the POT1 gene, results from an A to G substitution at nucleotide position 1573. The isoleucine at codon 525 is replaced by valine, an amino acid with highly similar properties. This amino acid position is conserved. In addition, this alteration is predicted to be tolerated by in silico analysis. Based on the available evidence, the clinical significance of this variant remains unclear.

NM_015450.3(POT1):c.1573A>G (p.Ile525Val)

Gene: POT1 (protection of telomeres 1; minus strand). Cytogenetic location: 7q31.33.
Variant type: single nucleotide variant.
Coding change: c.1573A>G on transcript NM_015450.3 (MANE Select); coding-DNA position 1573, A replaced by G.
Protein change: p.Ile525Val; replaces isoleucine 525 with valine.
Molecular consequence: missense variant. On other transcripts: non-coding transcript variant (2).
Genome position (GRCh38, 1-based): chr7:124,829,275, T>C on the plus strand (A>G on the coding strand, the complement: POT1 is on the minus strand). VCF-style: chr7-124829275-T-C. GRCh37 (hg19) VCF-style: chr7-124469329-T-C.
Other names: c.1180A>G, p.Ile394Val (NM_001042594.2); short protein forms I394V, I525V.
Identifiers: ClinVar variation 5027196 (VCV005027196.1).
Genomic context (GRCh38, chr7:124,829,275, plus strand): 5'-CAAACAGTTAAAATTGCAGGGCATGGAAATTTAGCTAACCTTCTGCCACAGAAGAAGGAA[T>C]CCACGATGTTTTATCAACCAGGGAATTTAGATTTTGTATGGATCTCAAACTAGAACACTG-3'
Protein context (NP_056265.2, residues 515-535): LNSLVDKTSW[Ile525Val]PSSVAEALGI